The following is an entry in ClinVar:

ClinVar aggregate classification (germline): Uncertain significance (1 of 4 stars; one submission).

Allele frequency attached by ClinVar (database versions not stated): gnomAD exomes 0.00006 and 0.00010; ExAC 0.00012; 1000 Genomes Project 30x 0.00031; 1000 Genomes Project 0.00040; gnomAD 0.00049 and 0.00056; TOPMed 0.00057; ESP Exome Variant Server 0.00062.
gnomAD v4.1: 166 of 1,614,088 alleles (0.01%); highest among the groups gnomAD compares: African/African-American, 0.18%; no homozygotes.

Submission:

Labcorp Genetics (formerly Invitae), Labcorp
Classification: Uncertain significance. Last evaluated: 2022-08-22. Review status: criteria provided, single submitter. Criteria: Invitae Variant Classification Sherloc (09022015). Collection method: clinical testing. Allele origin: germline.
Comment: This sequence change replaces aspartic acid, which is acidic and polar, with asparagine, which is neutral and polar, at codon 1584 of the LCT protein (p.Asp1584Asn). This variant is present in population databases (rs145888066, gnomAD 0.2%). This variant has not been reported in the literature in individuals affected with LCT-related conditions. ClinVar contains an entry for this variant (Variation ID: 1036577). Algorithms developed to predict the effect of missense changes on protein structure and function are either unavailable or do not agree on the potential impact of this missense change (SIFT: "Not Available"; PolyPhen-2: "Benign"; Align-GVGD: "Not Available"). In summary, the available evidence is currently insufficient to determine the role of this variant in disease. Therefore, it has been classified as a Variant of Uncertain Significance.

NM_002299.4(LCT):c.4750G>A (p.Asp1584Asn)

Gene: LCT (lactase; minus strand). Cytogenetic location: 2q21.3.
Variant type: single nucleotide variant.
Coding change: c.4750G>A on transcript NM_002299.4 (MANE Select); coding-DNA position 4750, G replaced by A.
Protein change: p.Asp1584Asn; replaces aspartic acid 1584 with asparagine.
Molecular consequence: missense variant.
Genome position (GRCh38, 1-based): chr2:135,800,723, C>T on the plus strand (G>A on the coding strand, the complement: LCT is on the minus strand). VCF-style: chr2-135800723-C-T. GRCh37 (hg19) VCF-style: chr2-136558293-C-T.
Other names: short protein forms D1584N.
Identifiers: ClinVar variation 1036577 (VCV001036577.4), dbSNP rs145888066, ClinGen allele CA1887780.
Genomic context (GRCh38, chr2:135,800,723, plus strand): 5'-CAGCCCAGTCACTGCTGATGGTGATGGAAATCACGCCACCTTGACTGGCGCGGTACACAT[C>T]GTTGTACAGATGCCAGGCCTCAGCATGAGCCTTTATTAGATTGTGGCCAACAATGTAGGG-3'
Protein context (NP_002290.2, residues 1574-1594): AHAEAWHLYN[Asp1584Asn]VYRASQGGVI